The following is an entry in ClinVar:

ClinVar aggregate classification (germline): Uncertain significance (1 of 4 stars; one submission).

Allele frequency attached by ClinVar (database versions not stated): gnomAD 0.00001; gnomAD exomes 0.00001; ExAC 0.00002; TOPMed 0.00003; ESP Exome Variant Server 0.00008.
gnomAD v4.1: 6 of 1,608,980 alleles (0.00037%); highest among the groups gnomAD compares: Admixed American, 0.0017%; no homozygotes.

Submission:

Labcorp Genetics (formerly Invitae), Labcorp
Classification: Uncertain significance. Last evaluated: 2021-11-10. Review status: criteria provided, single submitter. Criteria: Invitae Variant Classification Sherloc (09022015). Collection method: clinical testing. Allele origin: germline.
Comment: This sequence change replaces phenylalanine, which is neutral and non-polar, with serine, which is neutral and polar, at codon 1597 of the VPS13C protein (p.Phe1597Ser). This variant is present in population databases (rs371400592, gnomAD 0.003%). This variant has not been reported in the literature in individuals affected with VPS13C-related conditions. Algorithms developed to predict the effect of missense changes on protein structure and function (SIFT, PolyPhen-2, Align-GVGD) all suggest that this variant is likely to be tolerated. In summary, the available evidence is currently insufficient to determine the role of this variant in disease. Therefore, it has been classified as a Variant of Uncertain Significance.

NM_020821.3(VPS13C):c.4790T>C (p.Phe1597Ser)

Gene: VPS13C (vacuolar protein sorting 13 homolog C; minus strand). Cytogenetic location: 15q22.2.
Variant type: single nucleotide variant.
Coding change: c.4790T>C on transcript NM_020821.3 (MANE Select); coding-DNA position 4790, T replaced by C.
Protein change: p.Phe1597Ser; replaces phenylalanine 1597 with serine.
Molecular consequence: missense variant.
Genome position (GRCh38, 1-based): chr15:61,947,279, A>G on the plus strand (T>C on the coding strand, the complement: VPS13C is on the minus strand). VCF-style: chr15-61947279-A-G. GRCh37 (hg19) VCF-style: chr15-62239478-A-G.
Other names: c.4790T>C, p.Phe1597Ser (NM_001018088.3); c.4661T>C, p.Phe1554Ser (NM_017684.5, NM_018080.4); short protein forms F1554S, F1597S.
Identifiers: ClinVar variation 1490097 (VCV001490097.6), dbSNP rs371400592, ClinGen allele CA7595990.